The following is an entry in ClinVar:

NM_020843.4(SCAPER):c.187A>G (p.Thr63Ala)

Gene: SCAPER (S-phase cyclin A associated protein in the ER; minus strand). Cytogenetic location: 15q24.3.
Variant type: single nucleotide variant.
Coding change: c.187A>G on transcript NM_020843.4 (MANE Select); coding-DNA position 187, A replaced by G.
Protein change: p.Thr63Ala; replaces threonine 63 with alanine.
Molecular consequence: missense variant. On other transcripts: 5 prime UTR variant (4), non-coding transcript variant (1).
Genome position (GRCh38, 1-based): chr15:76,857,817, T>C on the plus strand (A>G on the coding strand, the complement: SCAPER is on the minus strand). VCF-style: chr15-76857817-T-C. GRCh37 (hg19) VCF-style: chr15-77150158-T-C.
Other names: c.187A>G (NM_001353009.1); c.-778A>G (NM_001145923.2); c.187A>G, p.Thr63Ala (NM_001353009.2); c.-271A>G (NM_001353010.2); c.-334A>G (NM_001353011.2); c.-216A>G (NM_001353012.2); short protein forms T63A.
Identifiers: ClinVar variation 2266694 (VCV002266694.5), dbSNP rs368182302, ClinGen allele CA7675275.

ClinVar aggregate classification (germline): Conflicting classifications of pathogenicity. Review status: criteria provided, conflicting classifications (1 of 4 stars). 3 submissions from 3 submitters: Uncertain significance (2); Likely benign (1). Last evaluated 2026-06-11.

Conditions:
SCAPER-related disorder. Also called: SCAPER-related condition.
Inborn genetic diseases. Identifiers: MedGen C0950123, MeSH D030342.

Allele frequency attached by ClinVar (database versions not stated): gnomAD exomes 0.00002; ESP Exome Variant Server 0.00018; TOPMed 0.00033; gnomAD 0.00034.
gnomAD v4.1: 87 of 1,539,662 alleles (0.0057%); highest among the groups gnomAD compares: African/African-American, 0.11%; no homozygotes.

Submissions (3):

PreventionGenetics, part of Exact Sciences
Classification: Uncertain significance for SCAPER-related condition. Last evaluated: 2026-06-11. Review status: criteria provided, single submitter. Criteria: ACMG Guidelines, 2015. Collection method: clinical testing. Allele origin: germline.
Comment: The SCAPER c.187A>G variant is predicted to result in the amino acid substitution p.Thr63Ala. To our knowledge, this variant has not been reported in the literature. This variant is reported in 0.096% of alleles in individuals of African descent in gnomAD, which may be too frequent to be a primary cause of disease. Although we suspect that this variant may be benign, at this time, the clinical significance of this variant is uncertain due to the absence of conclusive functional and genetic evidence.

Blueprint Genetics
Classification: Likely benign. Last evaluated: 2022-11-19. Review status: criteria provided, single submitter. Criteria: ACMG Guidelines, 2015. Collection method: clinical testing. Allele origin: germline.

Ambry Genetics
Classification: Uncertain significance for Inborn genetic diseases. Last evaluated: 2022-06-24. Review status: criteria provided, single submitter. Criteria: Ambry Variant Classification Scheme 2023. Collection method: clinical testing. Allele origin: germline.